The following is an entry in ClinVar:

ClinVar aggregate classification (germline): Uncertain significance (1 of 4 stars; one submission).

Conditions:
Congenital myasthenic syndrome 4A. Also called: Myasthenic syndrome, congenital, 4a, slow-channel; MYASTHENIC SYNDROME, CONGENITAL, 4A, SLOW-CHANNEL, AUTOSOMAL RECESSIVE; CONGENITAL MYASTHENIC SYNDROME TYPE Ia1. Identifiers: Orphanet 590, MedGen C4225413, MONDO:0011600, OMIM 605809.

Allele frequency attached by ClinVar (database versions not stated): ExAC 0.00002.
gnomAD v4.1: 4 of 1,601,126 alleles (0.00025%); highest among the groups gnomAD compares: Non-Finnish European, 0.00034%; no homozygotes.

Submission:

Labcorp Genetics (formerly Invitae), Labcorp
Classification: Uncertain significance for Congenital myasthenic syndrome 4A. Last evaluated: 2022-07-12. Review status: criteria provided, single submitter. Criteria: Invitae Variant Classification Sherloc (09022015). Collection method: clinical testing. Allele origin: germline.
Comment: This sequence change replaces histidine, which is basic and polar, with glutamine, which is neutral and polar, at codon 336 of the CHRNE protein (p.His336Gln). The frequency data for this variant in the population databases is considered unreliable, as metrics indicate poor data quality at this position in the gnomAD database. This variant has not been reported in the literature in individuals affected with CHRNE-related conditions. ClinVar contains an entry for this variant (Variation ID: 1407707). Algorithms developed to predict the effect of missense changes on protein structure and function are either unavailable or do not agree on the potential impact of this missense change (SIFT: "Deleterious"; PolyPhen-2: "Probably Damaging"; Align-GVGD: "Class C0"). Algorithms developed to predict the effect of sequence changes on RNA splicing suggest that this variant may create or strengthen a splice site. In summary, the available evidence is currently insufficient to determine the role of this variant in disease. Therefore, it has been classified as a Variant of Uncertain Significance.

NM_000080.4(CHRNE):c.1008C>G (p.His336Gln)

Gene: CHRNE (cholinergic receptor nicotinic epsilon subunit; minus strand). Cytogenetic location: 17p13.2.
Variant type: single nucleotide variant.
Coding change: c.1008C>G on transcript NM_000080.4 (MANE Select); coding-DNA position 1008, C replaced by G.
Protein change: p.His336Gln; replaces histidine 336 with glutamine.
Molecular consequence: missense variant.
Genome position (GRCh38, 1-based): chr17:4,899,492, G>C on the plus strand (C>G on the coding strand, the complement: CHRNE is on the minus strand). VCF-style: chr17-4899492-G-C. GRCh37 (hg19) VCF-style: chr17-4802787-G-C.
Other names: short protein forms H336Q.
Identifiers: ClinVar variation 1407707 (VCV001407707.5), dbSNP rs768479748, ClinGen allele CA8314078.